The following is an entry in ClinVar:

NM_018076.5(ODAD2):c.251T>C (p.Val84Ala)

Gene: ODAD2 (outer dynein arm docking complex subunit 2; minus strand). Cytogenetic location: 10p12.1.
Variant type: single nucleotide variant.
Coding change: c.251T>C on transcript NM_018076.5 (MANE Select); coding-DNA position 251, T replaced by C.
Protein change: p.Val84Ala; replaces valine 84 with alanine.
Molecular consequence: missense variant.
Genome position (GRCh38, 1-based): chr10:27,987,517, A>G on the plus strand (T>C on the coding strand, the complement: ODAD2 is on the minus strand). VCF-style: chr10-27987517-A-G. GRCh37 (hg19) VCF-style: chr10-28276446-A-G.
Other names: c.251T>C, p.Val84Ala (NM_001290020.2); short protein forms V84A.
Identifiers: ClinVar variation 1800038 (VCV001800038.2), dbSNP rs549455667, ClinGen allele CA5453864.

ClinVar aggregate classification (germline): Uncertain significance (1 of 4 stars; one submission).

Conditions:
Primary ciliary dyskinesia. Also called: Ciliary dyskinesia. Identifiers: Orphanet 244, MedGen C0008780, MONDO:0016575, HP:0012265.

Allele frequency attached by ClinVar (database versions not stated): ExAC 0.00002; TOPMed 0.00003; 1000 Genomes Project 30x 0.00016; 1000 Genomes Project 0.00020.
gnomAD v4.1: 64 of 1,611,992 alleles (0.004%); highest among the groups gnomAD compares: Middle Eastern, 0.017%; no homozygotes.

Submission:

Ambry Genetics
Classification: Uncertain significance for Primary ciliary dyskinesia. Last evaluated: 2020-09-30. Review status: criteria provided, single submitter. Criteria: Ambry Variant Classification Scheme 2023. Collection method: clinical testing. Allele origin: germline.
Comment: The p.V84A variant (also known as c.251T>C), located in coding exon 2 of the ARMC4 gene, results from a T to C substitution at nucleotide position 251. The valine at codon 84 is replaced by alanine, an amino acid with similar properties. This amino acid position is poorly conserved in available vertebrate species. In addition, this alteration is predicted to be tolerated by in silico analysis. Since supporting evidence is limited at this time, the clinical significance of this alteration remains unclear.